The following is an entry in ClinVar:

ClinVar aggregate classification (germline): Conflicting classifications of pathogenicity. Review status: criteria provided, conflicting classifications (1 of 4 stars). 15 submissions from 15 submitters: Uncertain significance (1); Likely benign (11). 3 of the submissions do not count toward it. Last evaluated 2026-01-28.

Conditions:
TTN-related disorder. Also called: TTN-related condition; TTN-related disease; TTN-related disorders.
Cardiovascular phenotype. Identifiers: MedGen CN230736.
Dilated cardiomyopathy 1G (CMD1G). Identifiers: Orphanet 154, MedGen C1858763, MONDO:0011400, OMIM 604145.
Autosomal recessive limb-girdle muscular dystrophy type 2J (LGMDR10). Also called: Limb-girdle muscular dystrophy, type 2J; MUSCULAR DYSTROPHY, LIMB-GIRDLE, AUTOSOMAL RECESSIVE 10. Identifiers: Orphanet 140922, MedGen C1837342, MONDO:0012127, OMIM 608807.
Cardiomyopathy (CMYO). Also called: Cardiomyopathies. Identifiers: Orphanet 167848, MedGen C0878544, MONDO:0004994, HP:0001638. Inheritance: Various modes of inheritance.

Allele frequency attached by ClinVar (database versions not stated): ExAC 0.00014; TOPMed 0.00015; gnomAD exomes 0.00017 and 0.00031; gnomAD 0.00022 and 0.00024; ESP Exome Variant Server 0.00033.
gnomAD v4.1: 474 of 1,613,430 alleles (0.029%); highest among the groups gnomAD compares: Non-Finnish European, 0.039%; no homozygotes.

Submissions (15):

Labcorp Genetics (formerly Invitae), Labcorp
Classification: Likely benign for Dilated cardiomyopathy 1G; Autosomal recessive limb-girdle muscular dystrophy type 2J. Last evaluated: 2026-01-28. Review status: criteria provided, single submitter. Criteria: Invitae Variant Classification Sherloc (09022015). Collection method: clinical testing. Allele origin: germline.

Molecular Diagnostic Laboratory for Inherited Cardiovascular Disease, Montreal Heart Institute
Classification: Likely benign. Last evaluated: 2025-04-09. Review status: criteria provided, single submitter. Criteria: ACMG Guidelines, 2015. Collection method: clinical testing. Allele origin: germline. Affected: no.
Comment: BS1;BP7

PreventionGenetics, part of Exact Sciences
Classification: Likely benign for TTN-related condition. Last evaluated: 2025-02-12. Review status: criteria provided, single submitter. Criteria: ACMG Guidelines, 2015. Collection method: clinical testing. Allele origin: germline.
Comment: This variant is classified as likely benign based on ACMG/AMP sequence variant interpretation guidelines (Richards et al. 2015 PMID: 25741868, with internal and published modifications).

Women's Health and Genetics/Laboratory Corporation of America, LabCorp
Classification: Likely benign. Last evaluated: 2024-12-06. Review status: criteria provided, single submitter. Criteria: LabCorp Variant Classification Summary - May 2015. Collection method: clinical testing. Allele origin: germline.

Blueprint Genetics
Classification: Likely benign. Last evaluated: 2024-08-26. Review status: criteria provided, single submitter. Criteria: ACMG Guidelines, 2015. Collection method: clinical testing. Allele origin: germline.

CeGaT Center for Human Genetics Tuebingen
Classification: Likely benign. Last evaluated: 2023-04-01. Review status: criteria provided, single submitter. Criteria: CeGaT Center For Human Genetics Tuebingen Variant Classification Criteria Version 2. Collection method: clinical testing. Allele origin: germline. Affected: yes. Observed: 1 variant allele.
Comment: TTN: BP4, BP7

GeneDx
Classification: Likely benign. Last evaluated: 2021-03-29. Review status: criteria provided, single submitter. Criteria: GeneDx Variant Classification Process June 2021. Collection method: clinical testing. Allele origin: germline. Affected: yes.

CHEO Genetics Diagnostic Laboratory, Children's Hospital of Eastern Ontario
Classification: Likely benign for Cardiomyopathy. Last evaluated: 2019-09-23. Review status: criteria provided, single submitter. Criteria: ACMG Guidelines, 2015. Collection method: clinical testing. Allele origin: germline. Study: Canadian Open Genetics Repository.

ARUP Laboratories, Molecular Genetics and Genomics, ARUP Laboratories
Classification: Likely benign. Last evaluated: 2019-08-13. Review status: criteria provided, single submitter. Criteria: ARUP Molecular Germline Variant Investigation Process. Collection method: clinical testing. Allele origin: germline.

Eurofins Ntd Llc (ga)
Classification: Uncertain significance. Last evaluated: 2017-09-30. Review status: criteria provided, single submitter. Criteria: EGL Classification Definitions 2015. Collection method: clinical testing. Allele origin: germline. Observed: 3 variant alleles, 3 heterozygotes.

Ambry Genetics
Classification: Likely benign for Cardiovascular phenotype. Last evaluated: 2013-10-16. Review status: criteria provided, single submitter. Criteria: Ambry Autosomal Dominant and X-Linked criteria (10/2015). Collection method: clinical testing. Allele origin: germline. Observed: 1 variant allele.

Laboratory for Molecular Medicine, Mass General Brigham Personalized Medicine
Classification: Likely benign. Last evaluated: 2012-01-31. Review status: criteria provided, single submitter. Criteria: LMM Criteria. Collection method: clinical testing. Allele origin: germline. Observed: 2 variant alleles.
Comment: p.Asn27640Asn in exon 284 of TTN: This variant is not expected to have clinical significance because it does not alter an amino acid residue and is not located within the splice consensus sequence. It has been identified in 3/6690 European American chromosomes and 1/3214 African American chromosomes by the NHLBI Exome sequencing project in a broad population.

Clinical Genetics DNA and cytogenetics Diagnostics Lab, Erasmus MC, Erasmus Medical Center
Classification: Likely benign. Review status: no assertion criteria provided. Collection method: clinical testing. Allele origin: germline. Affected: yes. Study: VKGL Data-share Consensus. Not counted in ClinVar's aggregate classification.

Clinical Genetics, Academic Medical Center
Classification: Benign. Review status: no assertion criteria provided. Collection method: clinical testing. Allele origin: germline. Affected: yes. Study: VKGL Data-share Consensus. Not counted in ClinVar's aggregate classification.

Genome Diagnostics Laboratory, University Medical Center Utrecht
Classification: Likely benign. Review status: no assertion criteria provided. Collection method: clinical testing. Allele origin: germline. Affected: yes. Study: VKGL Data-share Consensus. Not counted in ClinVar's aggregate classification.

NM_001267550.2(TTN):c.90624T>C (p.Asn30208=)

Genes: TTN (titin; minus strand), TTN-AS1 (TTN antisense RNA 1; plus strand). Cytogenetic location: 2q31.2.
Variant type: single nucleotide variant.
Coding change: c.90624T>C on transcript NM_001267550.2 (MANE Select); coding-DNA position 90624, T replaced by C.
Protein change: p.Asn30208=; no amino-acid change (asparagine 30208 retained).
Molecular consequence: synonymous variant.
Genome position (GRCh38, 1-based): chr2:178,552,276, A>G on the plus strand (T>C on the coding strand, the complement: TTN is on the minus strand). VCF-style: chr2-178552276-A-G. GRCh37 (hg19) VCF-style: chr2-179417003-A-G.
Other names: c.85701T>C, p.Asn28567= (NM_001256850.1); c.82920T>C, p.Asn27640= (NM_133378.4); c.63429T>C, p.Asn21143= (NM_003319.4); c.63804T>C, p.Asn21268= (NM_133432.3); c.64005T>C, p.Asn21335= (NM_133437.4).
Identifiers: ClinVar variation 47499 (VCV000047499.99), dbSNP rs370479059, ClinGen allele CA141193.